The following is an entry in ClinVar:

ClinVar aggregate classification (germline): Benign (0 of 4 stars; one submission).

Conditions:
MYO7B-related disorder. Also called: MYO7B-related condition.

Allele frequency attached by ClinVar (database versions not stated): gnomAD exomes 0.00045; ExAC 0.00178; gnomAD 0.00330; TOPMed 0.00389; ESP Exome Variant Server 0.00390; 1000 Genomes Project 0.00459; 1000 Genomes Project 30x 0.00531.
gnomAD v4.1: 1,183 of 1,572,634 alleles (0.075%); highest among the groups gnomAD compares: African/African-American, 1.1%; 10 homozygotes.

Submission:

PreventionGenetics, part of Exact Sciences
Classification: Benign for MYO7B-related condition. Last evaluated: 2019-04-11. Review status: no assertion criteria provided. Collection method: clinical testing. Allele origin: germline.
Comment: This variant is classified as benign based on ACMG/AMP sequence variant interpretation guidelines (Richards et al. 2015 PMID: 25741868, with internal and published modifications).

NM_001393586.1(MYO7B):c.4041C>T (p.Phe1347=)

Gene: MYO7B (myosin VIIB; plus strand). Cytogenetic location: 2q14.3.
Variant type: single nucleotide variant.
Coding change: c.4041C>T on transcript NM_001393586.1 (MANE Select); coding-DNA position 4041, C replaced by T.
Protein change: p.Phe1347=; no amino-acid change (phenylalanine 1347 retained).
Molecular consequence: synonymous variant.
Genome position (GRCh38, 1-based): chr2:127,624,314, C>T. VCF-style: chr2-127624314-C-T. GRCh37 (hg19) VCF-style: chr2-128381889-C-T.
Other names: c.3963C>T, p.Phe1321= (NM_001080527.2); c.522C>T, p.Phe174= (NM_001393594.1).
Identifiers: ClinVar variation 3034525 (VCV003034525.2), dbSNP rs61745600, ClinGen allele CA1861610.
Genomic context (GRCh38, chr2:127,624,314, plus strand): 5'-CAGCACCGAGCTTATTTACCGCCAAGTCCTCCGAGGAGTCTGGTCTGGCGAGTACAGCTT[C>T]GAGAAGGTGAGGGGCCTGAGAGCCAGGTCCACCCTAGGCTTTGCCATCAGGAAACATCCC-3'
Protein context (NP_001380515.1, residues 1337-1357): LRGVWSGEYS[Phe1347=]EKEEELVELL